The following is an entry in ClinVar:

NM_017636.4(TRPM4):c.1376G>T (p.Arg459Leu)

Gene: TRPM4 (transient receptor potential cation channel subfamily M member 4; plus strand). Cytogenetic location: 19q13.33.
Variant type: single nucleotide variant.
Coding change: c.1376G>T on transcript NM_017636.4 (MANE Select); coding-DNA position 1376, G replaced by T.
Protein change: p.Arg459Leu; replaces arginine 459 with leucine.
Molecular consequence: missense variant. On other transcripts: 5 prime UTR variant (1).
Genome position (GRCh38, 1-based): chr19:49,182,690, G>T. VCF-style: chr19-49182690-G-T. GRCh37 (hg19) VCF-style: chr19-49685947-G-T.
Other names: c.1376G>T, p.Arg459Leu (NM_001195227.2); c.1031G>T, p.Arg344Leu (NM_001321281.2); c.-178G>T (NM_001321282.2); c.854G>T, p.Arg285Leu (NM_001321283.2); c.314G>T, p.Arg105Leu (NM_001321285.2); short protein forms R344L, R105L, R459L, R285L.
Identifiers: ClinVar variation 1462035 (VCV001462035.6), dbSNP rs142312281, ClinGen allele CA406799216.

ClinVar aggregate classification (germline): Uncertain significance (1 of 4 stars; one submission).

Conditions:
Progressive familial heart block type IB (PFHB1B). Identifiers: Orphanet 871, MedGen C1970298, MONDO:0011474, OMIM 604559.

gnomAD v4.1: 3 of 1,614,034 alleles (0.00019%); highest among the groups gnomAD compares: Non-Finnish European, 0.00025%; no homozygotes.

Submission:

Labcorp Genetics (formerly Invitae), Labcorp
Classification: Uncertain significance for Progressive familial heart block type IB. Last evaluated: 2023-06-05. Review status: criteria provided, single submitter. Criteria: Invitae Variant Classification Sherloc (09022015). Collection method: clinical testing. Allele origin: germline.
Comment: This variant is not present in population databases (gnomAD no frequency). This variant has not been reported in the literature in individuals affected with TRPM4-related conditions. This sequence change replaces arginine, which is basic and polar, with leucine, which is neutral and non-polar, at codon 459 of the TRPM4 protein (p.Arg459Leu). In summary, the available evidence is currently insufficient to determine the role of this variant in disease. Therefore, it has been classified as a Variant of Uncertain Significance. An algorithm developed to predict the effect of missense changes on protein structure and function (PolyPhen-2) suggests that this variant is likely to be disruptive. ClinVar contains an entry for this variant (Variation ID: 1462035).